The following is an entry in ClinVar:

ClinVar aggregate classification (germline): Conflicting classifications of pathogenicity. Review status: criteria provided, conflicting classifications (1 of 4 stars). 18 submissions from 18 submitters: Uncertain significance (1); Benign (9); Likely benign (3). 5 of the submissions do not count toward it. Last evaluated 2026-03-01.

Conditions:
VCL-related disorder. Also called: VCL-related condition.
Cardiovascular phenotype. Identifiers: MedGen CN230736.
Cardiomyopathy (CMYO). Also called: Cardiomyopathies. Identifiers: Orphanet 167848, MedGen C0878544, MONDO:0004994, HP:0001638. Inheritance: Various modes of inheritance.
Dilated cardiomyopathy 1W (CMD1W). Identifiers: Orphanet 154, MedGen C1969639, MONDO:0012667, OMIM 611407.

Allele frequency attached by ClinVar (database versions not stated): 1000 Genomes Project 0.00200; 1000 Genomes Project 30x 0.00219; ESP Exome Variant Server 0.00392; ExAC 0.00418; gnomAD 0.00425 and 0.00442; gnomAD exomes 0.00429 and 0.00551; TOPMed 0.00462.
gnomAD v4.1: 8,653 of 1,614,224 alleles (0.54%); highest among the groups gnomAD compares: Middle Eastern, 0.68%; 31 homozygotes.

Submissions (18):

CeGaT Center for Human Genetics Tuebingen
Classification: Likely benign. Last evaluated: 2026-03-01. Review status: criteria provided, single submitter. Criteria: CeGaT Center For Human Genetics Tuebingen Variant Classification Criteria Version 2. Collection method: clinical testing. Allele origin: germline. Affected: yes. Observed: 7 variant alleles.
Comment: VCL: BP4, BS2

Labcorp Genetics (formerly Invitae), Labcorp
Classification: Benign for Dilated cardiomyopathy 1W. Last evaluated: 2026-02-03. Review status: criteria provided, single submitter. Criteria: Invitae Variant Classification Sherloc (09022015). Collection method: clinical testing. Allele origin: germline.

PreventionGenetics, part of Exact Sciences
Classification: Likely benign for VCL-related condition. Last evaluated: 2025-10-30. Review status: criteria provided, single submitter. Criteria: ACMG Guidelines, 2015. Collection method: clinical testing. Allele origin: germline.
Comment: This variant is classified as likely benign based on ACMG/AMP sequence variant interpretation guidelines (Richards et al. 2015 PMID: 25741868, with internal and published modifications).

ARUP Laboratories, Molecular Genetics and Genomics, ARUP Laboratories
Classification: Benign. Last evaluated: 2025-04-11. Review status: criteria provided, single submitter. Criteria: ARUP Molecular Germline Variant Investigation Process 2024. Collection method: clinical testing. Allele origin: germline.

Molecular Diagnostic Laboratory for Inherited Cardiovascular Disease, Montreal Heart Institute
Classification: Benign. Last evaluated: 2025-04-09. Review status: criteria provided, single submitter. Criteria: ACMG Guidelines, 2015. Collection method: clinical testing. Allele origin: germline. Affected: no.

Blueprint Genetics
Classification: Likely benign. Last evaluated: 2024-11-25. Review status: criteria provided, single submitter. Criteria: ACMG Guidelines, 2015. Collection method: clinical testing. Allele origin: germline.

Illumina Laboratory Services, Illumina
Classification: Uncertain significance for Dilated cardiomyopathy 1W. Last evaluated: 2018-01-13. Review status: criteria provided, single submitter. Criteria: ICSL Variant Classification Criteria 13 December 2019. Collection method: clinical testing. Allele origin: germline.

CHEO Genetics Diagnostic Laboratory, Children's Hospital of Eastern Ontario
Classification: Benign for Cardiomyopathy. Last evaluated: 2017-02-28. Review status: criteria provided, single submitter. Criteria: ACMG Guidelines, 2015. Collection method: clinical testing. Allele origin: germline. Study: Canadian Open Genetics Repository.

Mayo Clinic Laboratories, Mayo Clinic
Classification: Benign. Last evaluated: 2016-09-21. Review status: criteria provided, single submitter. Criteria: ACMG Guidelines, 2015. Collection method: clinical testing. Allele origin: germline. Observed: 20 variant alleles.

Ambry Genetics
Classification: Benign for Cardiovascular phenotype. Last evaluated: 2016-09-01. Review status: criteria provided, single submitter. Criteria: Ambry Variant Classification Scheme 2023. Collection method: clinical testing. Allele origin: germline.

Eurofins Ntd Llc (ga)
Classification: Benign. Last evaluated: 2015-03-12. Review status: criteria provided, single submitter. Criteria: EGL Classification Definitions 2015. Collection method: clinical testing. Allele origin: germline. Observed: 1 variant allele, 1 heterozygote.

GeneDx
Classification: Benign. Last evaluated: 2014-01-30. Review status: criteria provided, single submitter. Criteria: GeneDx Variant Classification (06012015). Collection method: clinical testing. Allele origin: germline. Affected: yes.
Comment: This variant is considered likely benign or benign based on one or more of the following criteria: it is a conservative change, it occurs at a poorly conserved position in the protein, it is predicted to be benign by multiple in silico algorithms, and/or has population frequency not consistent with disease.

Laboratory for Molecular Medicine, Mass General Brigham Personalized Medicine
Classification: Benign. Last evaluated: 2012-03-16. Review status: criteria provided, single submitter. Criteria: LMM Criteria. Collection method: clinical testing. Allele origin: germline. Observed: 25 variant alleles.
Comment: Ser439Ser in exon 10 of VCL: This variant is not expected to have clinical sign ificance because it does not alter an amino acid residue and has been identified in 0.5% (37/7020) of European American chromosomes from a broad population by t he NHLBI Exome Sequencing Project (dbSNP rs715 79355).

Clinical Genetics DNA and cytogenetics Diagnostics Lab, Erasmus MC, Erasmus Medical Center
Classification: Likely benign. Review status: no assertion criteria provided. Collection method: clinical testing. Allele origin: germline. Affected: yes. Study: VKGL Data-share Consensus. Not counted in ClinVar's aggregate classification.

Clinical Genetics, Academic Medical Center
Classification: Benign. Review status: no assertion criteria provided. Collection method: clinical testing. Allele origin: germline. Affected: yes. Study: VKGL Data-share Consensus. Not counted in ClinVar's aggregate classification.

Diagnostic Laboratory, Department of Genetics, University Medical Center Groningen
Classification: Likely benign. Review status: no assertion criteria provided. Collection method: clinical testing. Allele origin: germline. Affected: yes. Study: VKGL Data-share Consensus. Not counted in ClinVar's aggregate classification.

Genome Diagnostics Laboratory, University Medical Center Utrecht
Classification: Likely benign. Review status: no assertion criteria provided. Collection method: clinical testing. Allele origin: germline. Affected: yes. Study: VKGL Data-share Consensus. Not counted in ClinVar's aggregate classification.

Joint Genome Diagnostic Labs from Nijmegen and Maastricht, Radboudumc and MUMC+
Classification: Benign. Review status: no assertion criteria provided. Collection method: clinical testing. Allele origin: germline. Affected: yes. Study: VKGL Data-share Consensus. Not counted in ClinVar's aggregate classification.

NM_014000.3(VCL):c.1317T>C (p.Ser439=)

Gene: VCL (vinculin; plus strand). Cytogenetic location: 10q22.2.
Variant type: single nucleotide variant.
Coding change: c.1317T>C on transcript NM_014000.3 (MANE Select); coding-DNA position 1317, T replaced by C.
Protein change: p.Ser439=; no amino-acid change (serine 439 retained).
Molecular consequence: synonymous variant.
Genome position (GRCh38, 1-based): chr10:74,090,163, T>C. VCF-style: chr10-74090163-T-C. GRCh37 (hg19) VCF-style: chr10-75849921-T-C.
Other names: p.S439S:TCT>TCC; p.Ser439=; c.1317T>C, p.Ser439= (NM_003373.4).
Identifiers: ClinVar variation 45577 (VCV000045577.106), dbSNP rs71579355, ClinGen allele CA136688.